The following is an entry in ClinVar:

NM_002775.5(HTRA1):c.84C>A (p.Gly28=)

Gene: HTRA1 (HtrA serine peptidase 1; plus strand). Cytogenetic location: 10q26.13.
Variant type: single nucleotide variant.
Coding change: c.84C>A on transcript NM_002775.5 (MANE Select); coding-DNA position 84, C replaced by A.
Protein change: p.Gly28=; no amino-acid change (glycine 28 retained).
Molecular consequence: synonymous variant.
Genome position (GRCh38, 1-based): chr10:122,461,736, C>A. VCF-style: chr10-122461736-C-A. GRCh37 (hg19) VCF-style: chr10-124221252-C-A.
Identifiers: ClinVar variation 2640904 (VCV002640904.24), dbSNP rs1232818167, ClinGen allele CA471745499.

ClinVar aggregate classification (germline): Likely benign (1 of 4 stars; one submission).

Submission:

CeGaT Center for Human Genetics Tuebingen
Classification: Likely benign. Last evaluated: 2022-11-01. Review status: criteria provided, single submitter. Criteria: CeGaT Center For Human Genetics Tuebingen Variant Classification Criteria Version 2. Collection method: clinical testing. Allele origin: germline. Affected: yes. Observed: 1 variant allele.
Comment: HTRA1: BP4, BP7